The following is an entry in ClinVar:

NM_014991.6(WDFY3):c.3743A>T (p.Tyr1248Phe)

Gene: WDFY3 (WD repeat and FYVE domain containing 3; minus strand). Cytogenetic location: 4q21.23.
Variant type: single nucleotide variant.
Coding change: c.3743A>T on transcript NM_014991.6 (MANE Select); coding-DNA position 3743, A replaced by T.
Protein change: p.Tyr1248Phe; replaces tyrosine 1248 with phenylalanine.
Molecular consequence: missense variant.
Genome position (GRCh38, 1-based): chr4:84,787,640, T>A on the plus strand (A>T on the coding strand, the complement: WDFY3 is on the minus strand). VCF-style: chr4-84787640-T-A. GRCh37 (hg19) VCF-style: chr4-85708793-T-A.
Other names: short protein forms Y1248F.
Identifiers: ClinVar variation 2662161 (VCV002662161.2), dbSNP rs762353065, ClinGen allele CA357556337.

ClinVar aggregate classification (germline): Uncertain significance (1 of 4 stars; one submission).

Submission:

GeneDx
Classification: Uncertain significance. Last evaluated: 2024-08-08. Review status: criteria provided, single submitter. Criteria: GeneDx Variant Classification Process June 2021. Collection method: clinical testing. Allele origin: germline.
Comment: Not observed at significant frequency in large population cohorts (gnomAD); In silico analysis supports that this missense variant has a deleterious effect on protein structure/function; Has not been previously published as pathogenic or benign to our knowledge